The following is an entry in ClinVar:

NM_025103.4(IFT74):c.64G>T (p.Gly22Ter)

Gene: IFT74 (intraflagellar transport 74; plus strand). Cytogenetic location: 9p21.2.
Variant type: single nucleotide variant.
Coding change: c.64G>T on transcript NM_025103.4 (MANE Select); coding-DNA position 64, G replaced by T.
Protein change: p.Gly22Ter; replaces glycine 22 with a stop codon.
Molecular consequence: nonsense.
Genome position (GRCh38, 1-based): chr9:26,962,031, G>T. VCF-style: chr9-26962031-G-T. GRCh37 (hg19) VCF-style: chr9-26962029-G-T.
Other names: c.64G>T (NM_025103.2); c.64G>T, p.Gly22Ter (NM_001099222.3, NM_001099223.3, NM_001099224.3 and 1 more transcripts); short protein forms G22*.
Identifiers: ClinVar variation 1974235 (VCV001974235.6), dbSNP rs769696601, ClinGen allele CA5014794.

ClinVar aggregate classification (germline): Pathogenic/Likely pathogenic. Review status: criteria provided, multiple submitters, no conflicts (2 of 4 stars). 2 submissions from 2 submitters: Pathogenic (1); Likely pathogenic (1). Last evaluated 2025-10-12.

Conditions:
IFT74-related disorder. Also called: IFT74-related condition; IFT74-Related Disorders.

Allele frequency attached by ClinVar (database versions not stated): gnomAD exomes below 0.00001; TOPMed 0.00001; ExAC 0.00002.
gnomAD v4.1: 2 of 1,614,206 alleles (0.00012%); highest among the groups gnomAD compares: Admixed American, 0.0033%; no homozygotes.

Submissions (2):

PreventionGenetics, part of Exact Sciences
Classification: Likely pathogenic for IFT74-related condition. Last evaluated: 2025-10-12. Review status: criteria provided, single submitter. Criteria: ACMG Guidelines, 2015. Collection method: clinical testing. Allele origin: germline.
Comment: The IFT74 c.64G>T variant is predicted to result in premature protein termination (p.Gly22*). To our knowledge, this variant has not been reported in the literature. This variant is reported in 0.0058% of alleles in individuals of Latino descent in gnomAD. Nonsense variants in IFT74 are expected to be pathogenic. This variant is interpreted as likely pathogenic.

Labcorp Genetics (formerly Invitae), Labcorp
Classification: Pathogenic. Last evaluated: 2023-08-17. Review status: criteria provided, single submitter. Criteria: Invitae Variant Classification Sherloc (09022015). Collection method: clinical testing. Allele origin: germline.
Comment: ClinVar contains an entry for this variant (Variation ID: 1974235). For these reasons, this variant has been classified as Pathogenic. This variant has not been reported in the literature in individuals affected with IFT74-related conditions. This sequence change creates a premature translational stop signal (p.Gly22*) in the IFT74 gene. It is expected to result in an absent or disrupted protein product. Loss-of-function variants in IFT74 are known to be pathogenic (PMID: 33531668). This variant is present in population databases (rs769696601, gnomAD 0.006%).

Literature cited by the submitters: PubMed 33531668 (cited by Labcorp Genetics (formerly Invitae), Labcorp).